The following is an entry in ClinVar:

NM_002340.6(LSS):c.784-6C>T

Gene: LSS (lanosterol synthase; minus strand). Cytogenetic location: 21q22.3.
Variant type: single nucleotide variant.
Coding change: c.784-6C>T on transcript NM_002340.6 (MANE Select); 6 bases into the intron before coding-DNA position 784, C replaced by T.
Molecular consequence: intron variant.
Genome position (GRCh38, 1-based): chr21:46,215,799, G>A on the plus strand (C>T on the coding strand, the complement: LSS is on the minus strand). VCF-style: chr21-46215799-G-A. GRCh37 (hg19) VCF-style: chr21-47635713-G-A.
Other names: c.751-6C>T (NM_001145436.2); c.784-6C>T (NM_001001438.3); c.544-6C>T (NM_001145437.2).
Identifiers: ClinVar variation 677173 (VCV000677173.12), dbSNP rs11701729, ClinGen allele CA10075320.
Genomic context (GRCh38, chr21:46,215,799, plus strand): 5'-CGTTGTTCCTCTGCGCCAGCCAGTCAATGCTGGCGAAGTCCTCCACATAGAGCTCCTGGT[G>A]GGGGCAGTGTCTGAGCCTTGGGGCCTGGGAGCACCTGGTAGGCCTGGCTCAAACCAGGAG-3'

ClinVar aggregate classification (germline): Benign. Review status: criteria provided, multiple submitters, no conflicts (2 of 4 stars). 5 submissions from 4 submitters: Benign (5). Last evaluated 2026-02-04.

Conditions:
Cataract 44 (CTRCT44). Also called: CATARACT 44 AND HYPOTRICHOSIS. Identifiers: Orphanet 91492, Orphanet 98994, MedGen C4225300, MONDO:0014673, OMIM 616509.
Alopecia-intellectual disability syndrome 4. Also called: ALOPECIA-MENTAL RETARDATION SYNDROME 4. Identifiers: MedGen C5394241, MONDO:0030009, OMIM 618840.

Allele frequency attached by ClinVar (database versions not stated): ESP Exome Variant Server 0.55706; gnomAD 0.56553 and 0.57146; 1000 Genomes Project 30x 0.52514; gnomAD exomes 0.65267; 1000 Genomes Project 0.53055; ExAC 0.66268; TOPMed 0.55456.
gnomAD v4.1: 1,084,989 of 1,595,248 alleles (68%); highest among the groups gnomAD compares: Non-Finnish European, 72%; 378,962 homozygotes.

Submissions (5):

Labcorp Genetics (formerly Invitae), Labcorp
Classification: Benign. Last evaluated: 2026-02-04. Review status: criteria provided, single submitter. Criteria: Invitae Variant Classification Sherloc (09022015). Collection method: clinical testing. Allele origin: germline.

Genome-Nilou Lab
Classification: Benign for Cataract 44. Last evaluated: 2021-09-05. Review status: criteria provided, single submitter. Criteria: ACMG Guidelines, 2015. Collection method: clinical testing. Allele origin: germline. Affected: no.

Genome-Nilou Lab
Classification: Benign for Alopecia-intellectual disability syndrome 4. Last evaluated: 2021-09-05. Review status: criteria provided, single submitter. Criteria: ACMG Guidelines, 2015. Collection method: clinical testing. Allele origin: germline. Affected: no.

GeneDx
Classification: Benign. Last evaluated: 2018-03-24. Review status: criteria provided, single submitter. Criteria: GeneDx Variant Classification (06012015). Collection method: clinical testing. Allele origin: germline. Affected: yes.
Comment: This variant is considered likely benign or benign based on one or more of the following criteria: it is a conservative change, it occurs at a poorly conserved position in the protein, it is predicted to be benign by multiple in silico algorithms, and/or has population frequency not consistent with disease.

Breakthrough Genomics
Classification: Benign. Review status: criteria provided, single submitter. Criteria: ACMG Guidelines, 2015. Collection method: not provided. Allele origin: germline. Inheritance: Autosomal recessive inheritance. Affected: yes.